The following is an entry in ClinVar:

ClinVar aggregate classification (germline): Uncertain significance. Review status: criteria provided, multiple submitters, no conflicts (2 of 4 stars). 3 submissions from 3 submitters: Uncertain significance (3). Last evaluated 2023-05-31.

Conditions:
Colorectal cancer, susceptibility to, 1. Also called: COLORECTAL ADENOMA AND CANCER, SUSCEPTIBILITY TO; COLORECTAL CANCER, SUSCEPTIBILITY TO, ON CHROMOSOME 9. Identifiers: MedGen C1837315, MONDO:0012132, OMIM 608812.

gnomAD v4.1: 2 of 1,614,152 alleles (0.00012%); highest among the groups gnomAD compares: Admixed American, 0.0017%; no homozygotes.

Submissions (3):

Baylor Genetics
Classification: Uncertain significance for Colorectal cancer, susceptibility to, 1. Last evaluated: 2023-05-31. Review status: criteria provided, single submitter. Criteria: ACMG Guidelines, 2015. Collection method: clinical testing. Allele origin: unknown.

Ambry Genetics
Classification: Uncertain significance. Last evaluated: 2022-04-11. Review status: criteria provided, single submitter. Criteria: Ambry Variant Classification Scheme 2023. Collection method: clinical testing. Allele origin: germline.
Comment: The p.I260M variant (also known as c.780C>G), located in coding exon 4 of the GALNT12 gene, results from a C to G substitution at nucleotide position 780. The isoleucine at codon 260 is replaced by methionine, an amino acid with highly similar properties. This amino acid position is conserved. In addition, this alteration is predicted to be deleterious by in silico analysis. Since supporting evidence is limited at this time, the clinical significance of this alteration remains unclear.

Labcorp Genetics (formerly Invitae), Labcorp
Classification: Uncertain significance. Last evaluated: 2021-05-25. Review status: criteria provided, single submitter. Criteria: Invitae Variant Classification Sherloc (09022015). Collection method: clinical testing. Allele origin: germline.
Comment: This sequence change replaces isoleucine with methionine at codon 260 of the GALNT12 protein (p.Ile260Met). The isoleucine residue is highly conserved and there is a small physicochemical difference between isoleucine and methionine. This variant is not present in population databases (ExAC no frequency). This variant has not been reported in the literature in individuals with GALNT12-related conditions. Algorithms developed to predict the effect of missense changes on protein structure and function are either unavailable or do not agree on the potential impact of this missense change (SIFT: "Deleterious"; PolyPhen-2: "Probably Damaging"; Align-GVGD: "Class C0"). In summary, the available evidence is currently insufficient to determine the role of this variant in disease. Therefore, it has been classified as a Variant of Uncertain Significance.

NM_024642.5(GALNT12):c.780C>G (p.Ile260Met)

Gene: GALNT12 (polypeptide N-acetylgalactosaminyltransferase 12; plus strand). Cytogenetic location: 9q22.33.
Variant type: single nucleotide variant.
Coding change: c.780C>G on transcript NM_024642.5 (MANE Select); coding-DNA position 780, C replaced by G.
Protein change: p.Ile260Met; replaces isoleucine 260 with methionine.
Molecular consequence: missense variant.
Genome position (GRCh38, 1-based): chr9:98,831,820, C>G. VCF-style: chr9-98831820-C-G. GRCh37 (hg19) VCF-style: chr9-101594102-C-G.
Other names: short protein forms I260M.
Identifiers: ClinVar variation 1410642 (VCV001410642.11), dbSNP rs777942439, ClinGen allele CA374217989.